The following is an entry in ClinVar:

NM_000090.4(COL3A1):c.282+85A>G

Gene: COL3A1 (collagen type III alpha 1 chain; plus strand). Cytogenetic location: 2q32.2.
Variant type: single nucleotide variant.
Coding change: c.282+85A>G on transcript NM_000090.4 (MANE Select); 85 bases into the intron after coding-DNA position 282, A replaced by G.
Molecular consequence: intron variant.
Genome position (GRCh38, 1-based): chr2:188,985,047, A>G. VCF-style: chr2-188985047-A-G. GRCh37 (hg19) VCF-style: chr2-189849773-A-G.
Identifiers: ClinVar variation 673782 (VCV000673782.2), dbSNP rs3106796, ClinGen allele CA11134079.

ClinVar aggregate classification (germline): Benign. Review status: criteria provided, multiple submitters, no conflicts (2 of 4 stars). 2 submissions from 2 submitters: Benign (2). Last evaluated 2018-06-16.

Allele frequency attached by ClinVar (database versions not stated): TOPMed 0.33761; gnomAD 0.34739 and 0.35585; 1000 Genomes Project 30x 0.36555; 1000 Genomes Project 0.37081; gnomAD exomes 0.44080.
gnomAD v4.1: 618,284 of 1,435,190 alleles (43%); highest among the groups gnomAD compares: East Asian, 58%; 139,922 homozygotes.

Submissions (2):

GeneDx
Classification: Benign. Last evaluated: 2018-06-16. Review status: criteria provided, single submitter. Criteria: GeneDx Variant Classification (06012015). Collection method: clinical testing. Allele origin: germline. Affected: yes.
Comment: This variant is considered likely benign or benign based on one or more of the following criteria: it is a conservative change, it occurs at a poorly conserved position in the protein, it is predicted to be benign by multiple in silico algorithms, and/or has population frequency not consistent with disease.

Breakthrough Genomics
Classification: Benign. Review status: criteria provided, single submitter. Criteria: ACMG Guidelines, 2015. Collection method: not provided. Allele origin: germline. Inheritance: Autosomal recessive inheritance. Affected: yes.